The following is an entry in ClinVar:

ClinVar aggregate classification (germline): Conflicting classifications of pathogenicity. Review status: criteria provided, conflicting classifications (1 of 4 stars). 8 submissions from 8 submitters: Pathogenic (2); Likely pathogenic (5); Uncertain significance (1). Last evaluated 2025-12-16.
ClinVar aggregate classification (oncogenicity): Oncogenic (1 of 4 stars; one submission).

Conditions:
Familial thoracic aortic aneurysm and aortic dissection (TAAD). Also called: Thoracic aortic aneurysms and dissections. Identifiers: Orphanet 91387, MedGen C4707243, MONDO:0019625.
SMAD3-related disorder. Also called: SMAD3-related condition.
Neoplasm. Also called: tumor; Neoplasms; Neoplasm (disease). Identifiers: MedGen C0027651, MeSH D009369, MONDO:0005070, HP:0002664.

Allele frequency attached by ClinVar (database versions not stated): gnomAD exomes below 0.00001; TOPMed below 0.00001.
gnomAD v4.1: 1 of 1,614,178 alleles (0.000062%); highest among the groups gnomAD compares: Non-Finnish European, 0.000085%; no homozygotes.

Submissions (9):

Labcorp Genetics (formerly Invitae), Labcorp
Classification: Pathogenic for Familial thoracic aortic aneurysm and aortic dissection. Last evaluated: 2025-12-16. Review status: criteria provided, single submitter. Criteria: Invitae Variant Classification Sherloc (09022015). Collection method: clinical testing. Allele origin: germline.
Comment: This sequence change replaces arginine, which is basic and polar, with histidine, which is basic and polar, at codon 373 of the SMAD3 protein (p.Arg373His). This variant is not present in population databases (gnomAD no frequency). This missense change has been observed in individuals with SMAD3-related conditions (PMID: 25944730, 30661052; internal data). It has also been observed to segregate with disease in related individuals. ClinVar contains an entry for this variant (Variation ID: 405561). Invitae Evidence Modeling of protein sequence and biophysical properties (such as structural, functional, and spatial information, amino acid conservation, physicochemical variation, residue mobility, and thermodynamic stability) indicates that this missense variant is expected to disrupt SMAD3 protein function with a positive predictive value of 80%. Experimental studies have shown that this missense change affects SMAD3 function (PMID: 16828225). This variant disrupts the p.Arg373 amino acid residue in SMAD3. Other variant(s) that disrupt this residue have been observed in individuals with SMAD3-related conditions (PMID: 30661052; internal data), which suggests that this may be a clinically significant amino acid residue. For these reasons, this variant has been classified as Pathogenic.

Center for Genomic Medicine, Rigshospitalet, Copenhagen University Hospital
Classification: Oncogenic for Neoplasm. Last evaluated: 2025-03-04. Review status: criteria provided, single submitter. Criteria: ClinGen/CGC/VICC Guidelines for Oncogenicity, 2022. Collection method: clinical testing. Allele origin: somatic. Affected: yes.

ARUP Laboratories, Molecular Genetics and Genomics, ARUP Laboratories
Classification: Likely pathogenic. Last evaluated: 2024-12-31. Review status: criteria provided, single submitter. Criteria: ARUP Molecular Germline Variant Investigation Process 2024. Collection method: clinical testing. Allele origin: germline.
Comment: The SMAD3 c.1118G>A; p.Arg373His variant (rs1060500766, ClinVar Variation ID: 405561) is reported in the literature in individuals affected with thoracic aortic aneurysms, dissections, or dilation (Arnaud 2019, Hostetler 2019, Wooderchak-Donahue 2015, Yang 2020). Based on samples tested at ARUP la-boratories this variant has co-segregated with disease through at least 7 meiosis. This variant is absent from the Genome Aggregation Database (v2.1.1), indicating it is not a common polymorphism. Compu-tational analyses predict that this variant is deleterious (REVEL: 0.97). In cultured cells, this variant exhib-its mildly reduced transcriptional activation activity and altered localization in response to TGF-beta treatment (Ku 2007), although it is not certain whether these properties are physiologically relevant. Based on available information, this variant is considered to be likely pathogenic. References: Arnaud P et al. Genetic diversity and pathogenic variants as possible predictors of severity in a French sample of nonsyndromic heritable thoracic aortic aneurysms and dissections (nshTAAD). Genet Med. 2019 Sep;21(9):2015-2024. PMID: 30739908. Hostetler EM et al. SMAD3 pathogenic variants: risk for thoracic aortic disease and associated compli-cations from the Montalcino Aortic Consortium. J Med Genet. 2019 Apr;56(4):252-260. PMID: 30661052. Ku JL et al. Genetic alterations of the TGF-beta signaling pathway in colorectal cancer cell lines: a novel mutation in Smad3 associated with the inactivation of TGF-beta-induced transcriptional acti-vation. Cancer Lett. 2007 Mar 18;247(2):283-92. PMID: 16828225 Yang H et al. Genetic profiling and cardiovascular phenotypic spectrum in a Chinese cohort of Loeys-Dietz syndrome patients. Orphanet J Rare Dis. 2020 Jan 8;15(1):6. PMID: 31915033. Wooderchak-Donahue W et al. Clinical utility of a next generation sequencing panel assay for Marfan and Marfan-like syndromes featuring aortopathy. Am J Med Genet A. 2015 Aug;167A(8):1747-57. PMID: 25944730

GeneDx
Classification: Uncertain significance. Last evaluated: 2024-12-09. Review status: criteria provided, single submitter. Criteria: GeneDx Variant Classification Process June 2021. Collection method: clinical testing. Allele origin: germline. Affected: yes.
Comment: Not observed at significant frequency in large population cohorts (gnomAD); In silico analysis supports that this missense variant has a deleterious effect on protein structure/function; This variant is associated with the following publications: (PMID: 25944730, 30661052, 31915033, 17725494, 21835029, 30739908, 37937776, 16828225)

Mayo Clinic Laboratories, Mayo Clinic
Classification: Likely pathogenic. Last evaluated: 2024-06-12. Review status: criteria provided, single submitter. Criteria: ACMG Guidelines, 2015. Collection method: clinical testing. Allele origin: germline.
Comment: PP1, PP2, PP3, PM1, PM2, PS3_supporting, PS4_moderate

Blueprint Genetics
Classification: Pathogenic for SMAD3-related disorders. Last evaluated: 2024-01-09. Review status: criteria provided, single submitter. Criteria: ACMG Guidelines, 2015. Collection method: clinical testing. Allele origin: germline. Affected: yes. Observed: 2 variant alleles.

CHEO Genetics Diagnostic Laboratory, Children's Hospital of Eastern Ontario
Classification: Likely pathogenic for Familial thoracic aortic aneurysm and aortic dissection. Last evaluated: 2022-01-14. Review status: criteria provided, single submitter. Criteria: ACMG Guidelines, 2015. Collection method: clinical testing. Allele origin: germline.

Ambry Genetics
Classification: Likely pathogenic for Familial thoracic aortic aneurysm and aortic dissection. Last evaluated: 2021-11-15. Review status: criteria provided, single submitter. Criteria: Ambry Variant Classification Scheme 2023. Collection method: clinical testing. Allele origin: germline.
Comment: The p.R373H variant (also known as c.1118G>A), located in coding exon 8 of the SMAD3 gene, results from a G to A substitution at nucleotide position 1118. The arginine at codon 373 is replaced by histidine, an amino acid with highly similar properties. This alteration has been reported in multiple individuals with thoracic aortic aneurysm, including one individual with additional concerns for a connective tissue disorder (Wooderchak-Donahue W et al. Am J Med Genet A, 2015 Aug;167A:1747-57; Arnaud P et al. Genet Med, 2019 09;21:2015-2024; Hostetler EM et al. J Med Genet, 2019 04;56:252-260; Yang H et al. Orphanet J Rare Dis, 2020 01;15:6; Ambry internal data). Additionally, this alteration was detected in a cancer cell line and suggested to possibly impact TGF-&beta; signaling in in vitro assays, although the physiological relevance is unknown (Ku JL et al. Cancer Lett., 2007 Mar;247:283-92). This variant is considered to be rare based on population cohorts in the Genome Aggregation Database (gnomAD). This missense alteration is located in a region that has a low rate of benign missense variation (Lek M et al. Nature. 2016 Aug 18;536(7616):285-91; DECIPHER: Database of Chromosomal Imbalance and Phenotype in Humans using Ensembl Resources. Firth H.V. et al. 2009. Am.J.Hum.Genet. 84, 524-533 (DOI)). This amino acid position is highly conserved in available vertebrate species. In addition, this alteration is predicted to be deleterious by in silico analysis. Based on the majority of available evidence to date, this variant is likely to be pathogenic.

CeGaT Center for Human Genetics Tuebingen
Classification: Likely pathogenic. Last evaluated: 2021-08-01. Review status: criteria provided, single submitter. Criteria: CeGaT Center For Human Genetics Tuebingen Variant Classification Criteria Version 2. Collection method: clinical testing. Allele origin: germline. Affected: yes. Observed: 1 variant allele.

Literature cited by the submitters: PubMed 25944730 (cited by 3 submitters); PubMed 30661052 (cited by 3 submitters); PubMed 16828225 (cited by 4 submitters); PubMed 17725494 (cited by Mayo Clinic Laboratories, Mayo Clinic); PubMed 31915033 (cited by Mayo Clinic Laboratories, Mayo Clinic and Ambry Genetics); PubMed 37937776 (cited by Mayo Clinic Laboratories, Mayo Clinic); PubMed 30739908 (cited by Ambry Genetics).

NM_005902.4(SMAD3):c.1118G>A (p.Arg373His)

Gene: SMAD3 (SMAD family member 3; plus strand). Cytogenetic location: 15q22.33.
Variant type: single nucleotide variant.
Coding change: c.1118G>A on transcript NM_005902.4 (MANE Select); coding-DNA position 1118, G replaced by A.
Protein change: p.Arg373His; replaces arginine 373 with histidine.
Molecular consequence: missense variant.
Genome position (GRCh38, 1-based): chr15:67,187,473, G>A. VCF-style: chr15-67187473-G-A. GRCh37 (hg19) VCF-style: chr15-67479811-G-A.
Other names: c.803G>A, p.Arg268His (NM_001145102.2); c.986G>A, p.Arg329His (NM_001145103.2); c.533G>A, p.Arg178His (NM_001145104.2); short protein forms R373H, R268H, R329H, R178H.
Identifiers: ClinVar variation 405561 (VCV000405561.63), dbSNP rs1060500766, ClinGen allele CA16614552.